The following is an entry in ClinVar:

NM_016507.4(CDK12):c.2665A>T (p.Ser889Cys)

Gene: CDK12 (cyclin dependent kinase 12; plus strand). Cytogenetic location: 17q12.
Variant type: single nucleotide variant.
Coding change: c.2665A>T on transcript NM_016507.4 (MANE Select); coding-DNA position 2665, A replaced by T.
Protein change: p.Ser889Cys; replaces serine 889 with cysteine.
Molecular consequence: missense variant.
Genome position (GRCh38, 1-based): chr17:39,509,760, A>T. VCF-style: chr17-39509760-A-T. GRCh37 (hg19) VCF-style: chr17-37666013-A-T.
Other names: NC_000017.10:g.37666013A>T; c.2665A>T, p.Ser889Cys (NM_015083.4); short protein forms S889C.
Identifiers: ClinVar variation 3999417 (VCV003999417.2).
Genomic context (GRCh38, chr17:39,509,760, plus strand): 5'-TACAGTGGGCAAATCAAACTAGCAGATTTTGGACTTGCTCGGCTCTATAACTCTGAAGAG[A>T]GGTAAGGCATTAATTAAAATTACATGTGGGAAATAAGGTTTGTTTTGTTTTGTTTTTTTG-3'
Protein context (NP_057591.2, residues 879-899): GLARLYNSEE[Ser889Cys]RPYTNKVITL

ClinVar aggregate classification (germline): Uncertain significance (1 of 4 stars; one submission).

Submissions (2):

Ambry Genetics
Classification: Uncertain significance. Last evaluated: 2025-05-02. Review status: criteria provided, single submitter. Criteria: Ambry Variant Classification Scheme 2023. Collection method: clinical testing. Allele origin: germline.
Comment: The p.S889C variant (also known as c.2665A>T), located in coding exon 7 of the CDK12 gene, results from an A to T substitution at nucleotide position 2665. The serine at codon 889 is replaced by cysteine, an amino acid with dissimilar properties. This amino acid position is conserved. In addition, the in silico prediction for this alteration is inconclusive. Based on the available evidence, the clinical significance of this variant remains unclear.

Dr. Peter K. Rogan Lab, Western University
No classification provided (evidence only). Condition: Squamous cell lung carcinoma. Review status: no classification provided. Collection method: in vitro. Allele origin: not applicable. Functional consequence: skipped exon, retained intron. Not counted in ClinVar's aggregate classification.